The following is an entry in ClinVar:

NM_001287491.2(TET3):c.4720C>A (p.Gln1574Lys)

Gene: TET3 (tet methylcytosine dioxygenase 3; plus strand). Cytogenetic location: 2p13.1.
Variant type: single nucleotide variant.
Coding change: c.4720C>A on transcript NM_001287491.2 (MANE Select); coding-DNA position 4720, C replaced by A.
Protein change: p.Gln1574Lys; replaces glutamine 1574 with lysine.
Molecular consequence: missense variant.
Genome position (GRCh38, 1-based): chr2:74,101,508, C>A. VCF-style: chr2-74101508-C-A. GRCh37 (hg19) VCF-style: chr2-74328635-C-A.
Other names: c.4441C>A, p.Gln1481Lys (NM_001366022.1); c.4315C>A, p.Gln1439Lys (NM_144993.1); short protein forms Q1439K, Q1481K, Q1574K.
Identifiers: ClinVar variation 2633966 (VCV002633966.1), dbSNP rs2528197361, ClinGen allele CA347321682.
Genomic context (GRCh38, chr2:74,101,508, plus strand): 5'-GACAAGCTGTGGAACCCCATGAAAGGAGAGGAGGGCAGGATTCCAGCCGCAGGGGCCAGC[C>A]AGCTGGACAGGGCCTGGCAGTCCTTTGGTCTGCCCCTGGGATCCAGCGAGAAGCTGTTTG-3'
Protein context (NP_001274420.1, residues 1564-1584): EGRIPAAGAS[Gln1574Lys]LDRAWQSFGL

ClinVar aggregate classification (germline): Uncertain significance (1 of 4 stars; one submission).

Conditions:
TET3-related disorder. Also called: TET3-related condition; TET3-Related Disease.

Submission:

PreventionGenetics, part of Exact Sciences
Classification: Uncertain significance for TET3-related condition. Last evaluated: 2023-09-25. Review status: criteria provided, single submitter. Criteria: ACMG Guidelines, 2015. Collection method: clinical testing. Allele origin: germline.
Comment: The TET3 c.4720C>A variant is predicted to result in the amino acid substitution p.Gln1574Lys. To our knowledge, this variant has not been reported in the literature or in a large population database, indicating this variant is rare. At this time, the clinical significance of this variant is uncertain due to the absence of conclusive functional and genetic evidence.